The following is an entry in ClinVar:

ClinVar aggregate classification (germline): Likely pathogenic (0 of 4 stars; one submission).

Conditions:
CHARGE syndrome (CHARGE). Also called: CHARGE ASSOCIATION--COLOBOMA, HEART ANOMALY, CHOANAL ATRESIA, RETARDATION, GENITAL AND EAR ANOMALIES; Coloboma, heart anomaly, choanal atresia, retardation, genital and ear anomalies; CHARGE association; Hall-Hittner syndrome; Hittner Hirsch Kreh syndrome. Identifiers: Orphanet 138, MedGen C0265354, MONDO:0008965.

gnomAD v4.1: 1 of 1,561,522 alleles (0.000064%); highest among the groups gnomAD compares: Non-Finnish European, 0.000087%; no homozygotes.

Submission:

Baylor Genetics
Classification: Likely pathogenic for CHD7-related CHARGE syndrome. Last evaluated: 2015-02-05. Review status: no assertion criteria provided. Collection method: clinical testing. Allele origin: de novo. Inheritance: Autosomal dominant inheritance. Affected: yes. Observed: 1 variant allele, 1 heterozygote.

NM_017780.4(CHD7):c.8063T>G (p.Ile2688Arg)

Gene: CHD7 (chromodomain helicase DNA binding protein 7; plus strand). Cytogenetic location: 8q12.2.
Variant type: single nucleotide variant.
Coding change: c.8063T>G on transcript NM_017780.4 (MANE Select); coding-DNA position 8063, T replaced by G.
Protein change: p.Ile2688Arg; replaces isoleucine 2688 with arginine.
Molecular consequence: missense variant.
Genome position (GRCh38, 1-based): chr8:60,862,639, T>G. VCF-style: chr8-60862639-T-G. GRCh37 (hg19) VCF-style: chr8-61775198-T-G.
Other names: c.1916T>G, p.Ile639Arg (NM_001316690.1); short protein forms I2688R, I639R.
Identifiers: ClinVar variation 374318 (VCV000374318.2), dbSNP rs755066542, ClinGen allele CA16043667.